The following is an entry in ClinVar:

NM_001034853.2(RPGR):c.2808A>T (p.Glu936Asp)

Gene: RPGR (retinitis pigmentosa GTPase regulator; minus strand). Cytogenetic location: Xp11.4.
Variant type: single nucleotide variant.
Coding change: c.2808A>T on transcript NM_001034853.2 (MANE Select); coding-DNA position 2808, A replaced by T.
Protein change: p.Glu936Asp; replaces glutamic acid 936 with aspartic acid.
Molecular consequence: missense variant. On other transcripts: intron variant (8).
Genome position (GRCh38, 1-based): chrX:38,286,191, T>A on the plus strand (A>T on the coding strand, the complement: RPGR is on the minus strand). VCF-style: chrX-38286191-T-A. GRCh37 (hg19) VCF-style: chrX-38145444-T-A.
Other names: NM_001034853.2(RPGR):c.2808A>T; p.Glu936Asp; c.1569+4768A>T (NM_001367249.1, NM_001367250.1); c.1902+903A>T (NM_001367245.1); c.1386+4768A>T (NM_001367251.1); c.1719+903A>T (NM_001367246.1); c.1572+4768A>T (NM_001367247.1); c.1905+903A>T (NM_000328.3); and 1 more; short protein forms E936D.
Identifiers: ClinVar variation 1221382 (VCV001221382.12), dbSNP rs187844918, ClinGen allele CA10385246.

ClinVar aggregate classification (germline): Benign. Review status: reviewed by expert panel (3 of 4 stars). 6 submissions from 6 submitters: Benign (1). 5 of the submissions do not count toward it. Last evaluated 2025-09-05.

Conditions:
RPGR-related retinopathy. Also called: RPGR retinopathy. Identifiers: MedGen CN305589, MONDO:0100437.
Primary ciliary dyskinesia. Also called: Ciliary dyskinesia. Identifiers: Orphanet 244, MedGen C0008780, MONDO:0016575, HP:0012265.
Retinal dystrophy. Also called: Inherited retinal dystrophy. Identifiers: Orphanet 71862, MedGen C0854723, MeSH D058499, MONDO:0019118, HP:0000556.
RPGR-related disorder. Also called: RPGR-related condition.

Allele frequency attached by ClinVar (database versions not stated): gnomAD exomes 0.01026; ExAC 0.01316.

Submissions (6):

ClinGen X-linked Inherited Retinal Disease Variant Curation Expert Panel, ClinGen
Classification: Benign for RPGR-related retinopathy. Last evaluated: 2025-09-05. Review status: reviewed by expert panel. Criteria: ClinGen X LinkedIRD ACMG Specifications RPGR V1.0.0. Collection method: curation. Allele origin: germline. Inheritance: X-linked inheritance.
Comment: NM_001034853.2(RPGR):c.2808A>T (p.Glu936Asp) is a missense variant causing substitution of glutamic acid by aspartic acid at amino acid 936. This variant is present in gnomAD v4.1.0 at a frequency of 0.0003934 among hemizygous individuals, with 35 variant alleles / 88,973 total hemizygous alleles, which is higher than the ClinGen X-linked IRD VCEP BA1 threshold of >0.00005 (BA1). The computational predictor REVEL gives a score of 0.064, which is below the ClinGen X-linked IRD VCEP threshold of <0.183 and predicts a non-damaging effect on RPGR function. Additionally, the splicing impact predictor SpliceAI gives a delta score of 0.00, which is below the ClinGen X-linked IRD VCEP recommended threshold of <0.1 and does not strongly predict an impact on splicing (BP4_Moderate). In summary, this variant is classified as benign for RPGR-related retinopathy based on the ClinGen X-linked Inherited Retinal Disease Expert Panel Specifications to the ACMG/AMP Variant Interpretation Guidelines for RPGR Version 1.0.0; BA1 and BP4_Moderate.

PreventionGenetics, part of Exact Sciences
Classification: Benign for RPGR-related condition. Last evaluated: 2024-11-15. Review status: criteria provided, single submitter. Criteria: ACMG Guidelines, 2015. Collection method: clinical testing. Allele origin: germline. Not counted in ClinVar's aggregate classification.
Comment: This variant is classified as benign based on ACMG/AMP sequence variant interpretation guidelines (Richards et al. 2015 PMID: 25741868, with internal and published modifications).

Labcorp Genetics (formerly Invitae), Labcorp
Classification: Benign for Primary ciliary dyskinesia. Last evaluated: 2023-08-17. Review status: criteria provided, single submitter. Criteria: Invitae Variant Classification Sherloc (09022015). Collection method: clinical testing. Allele origin: germline. Not counted in ClinVar's aggregate classification.

GeneDx
Classification: Benign. Last evaluated: 2019-10-04. Review status: criteria provided, single submitter. Criteria: GeneDx Variant Classification Process June 2021. Collection method: clinical testing. Allele origin: germline. Affected: yes. Not counted in ClinVar's aggregate classification.

Breakthrough Genomics
Classification: Benign. Review status: criteria provided, single submitter. Criteria: ACMG Guidelines, 2015. Collection method: not provided. Allele origin: germline. Inheritance: X-linked inheritance. Affected: yes. Not counted in ClinVar's aggregate classification.

Institute of Human Genetics, Univ. Regensburg, Univ. Regensburg
Classification: Uncertain significance for Retinal dystrophy. Last evaluated: 2023-01-01. Review status: no assertion criteria provided. Criteria: ACMG Guidelines, 2015. Collection method: clinical testing. Allele origin: germline. Affected: yes. Not counted in ClinVar's aggregate classification.